The following is an entry in ClinVar:

ClinVar aggregate classification (germline): Likely pathogenic (1 of 4 stars; one submission).

Submission:

GeneDx
Classification: Likely pathogenic. Last evaluated: 2026-09-26. Review status: criteria provided, single submitter. Criteria: GeneDx Variant Classification Process June 2021. Collection method: clinical testing. Allele origin: germline.
Comment: Nonsense variant predicted to result in protein truncation or nonsense mediated decay in a gene for which loss of function is a known mechanism of disease; Not observed at significant frequency in large population cohorts (gnomAD); Has not been previously published as pathogenic or benign to our knowledge

NM_020964.3(EPG5):c.5245C>T (p.Gln1749Ter)

Gene: EPG5 (ectopic P-granules 5 autophagy tethering factor; minus strand). Cytogenetic location: 18q12.3.
Variant type: single nucleotide variant.
Coding change: c.5245C>T on transcript NM_020964.3 (MANE Select); coding-DNA position 5245, C replaced by T.
Protein change: p.Gln1749Ter; replaces glutamine 1749 with a stop codon.
Molecular consequence: nonsense.
Genome position (GRCh38, 1-based): chr18:45,884,676, G>A on the plus strand (C>T on the coding strand, the complement: EPG5 is on the minus strand). VCF-style: chr18-45884676-G-A. GRCh37 (hg19) VCF-style: chr18-43464641-G-A.
Other names: c.5245C>T, p.Gln1749Ter (NM_001410858.1, NM_001410859.1); short protein forms Q1749*.
Identifiers: ClinVar variation 3392630 (VCV003392630.2).
Genomic context (GRCh38, chr18:45,884,676, plus strand): 5'-CCTTGGTTAGCAGCATGAAAATCATATCACTGTTGTCCTCACTTAGAAACTTCACCACTT[G>A]CTCATACAGCTGTATGAACTCTGCAGGTGCAGCATTGGGAGTGAAGAAAGGAGACAGCAG-3'